The following is an entry in ClinVar:

ClinVar aggregate classification (germline): Uncertain significance. Review status: criteria provided, multiple submitters, no conflicts (2 of 4 stars). 3 submissions from 3 submitters: Uncertain significance (3). Last evaluated 2026-01-23.

Conditions:
Glycogen storage disease, type V (GSD5). Also called: McArdle type glycogen storage disease; MCARDLE DISEASE; MUSCLE GLYCOGEN PHOSPHORYLASE DEFICIENCY; MYOPHOSPHORYLASE DEFICIENCY; PYGM DEFICIENCY. Identifiers: Orphanet 368, MedGen C0017924, MONDO:0009293, OMIM 232600.

Allele frequency attached by ClinVar (database versions not stated): TOPMed 0.00002; ESP Exome Variant Server 0.00008.
gnomAD v4.1: 58 of 1,613,880 alleles (0.0036%); highest among the groups gnomAD compares: Non-Finnish European, 0.0048%; no homozygotes.

Submissions (3):

Myriad Genetics, Inc.
Classification: Uncertain significance for Glycogen storage disease, type V. Last evaluated: 2026-01-23. Review status: criteria provided, single submitter. Criteria: Myriad Autosomal Dominant, Autosomal Recessive and X-Linked Classification Criteria (2023). Collection method: clinical testing. Allele origin: unknown.
Comment: NM_005609.2(PYGM):c.2311C>G(R771G) is a missense variant classified as a variant of uncertain significance in the context of glycogen storage disease, PYGM-related. R771G has not been observed in cases with relevant disease. Relevant functional assessments of this variant are not available in the literature. R771G has been observed in referenced population frequency databases. In summary, there is insufficient evidence to classify NM_005609.2(PYGM):c.2311C>G(R771G) as pathogenic or benign. Please note: this variant was assessed in the context of healthy population screening.

Revvity Omics, Revvity
Classification: Uncertain significance for Glycogen storage disease, type V. Last evaluated: 2019-01-17. Review status: criteria provided, single submitter. Criteria: ACMG Guidelines, 2015. Collection method: clinical testing. Allele origin: germline.

Eurofins Ntd Llc (ga)
Classification: Uncertain significance. Last evaluated: 2016-08-05. Review status: criteria provided, single submitter. Criteria: EGL Classification Definitions 2015. Collection method: clinical testing. Allele origin: germline. Observed: 1 variant allele, 1 heterozygote.

NM_005609.4(PYGM):c.2311C>G (p.Arg771Gly)

Gene: PYGM (glycogen phosphorylase, muscle associated; minus strand). Cytogenetic location: 11q13.1.
Variant type: single nucleotide variant.
Coding change: c.2311C>G on transcript NM_005609.4 (MANE Select); coding-DNA position 2311, C replaced by G.
Protein change: p.Arg771Gly; replaces arginine 771 with glycine.
Molecular consequence: missense variant.
Genome position (GRCh38, 1-based): chr11:64,747,225, G>C on the plus strand (C>G on the coding strand, the complement: PYGM is on the minus strand). VCF-style: chr11-64747225-G-C. GRCh37 (hg19) VCF-style: chr11-64514697-G-C.
Other names: c.2047C>G, p.Arg683Gly (NM_001164716.1); c.2311C>G (NM_005609.2); short protein forms R771G, R683G.
Identifiers: ClinVar variation 290034 (VCV000290034.9), dbSNP rs369382075, ClinGen allele CA6079571.